The following is an entry in ClinVar:

NM_004006.3(DMD):c.7829C>G (p.Pro2610Arg)

Gene: DMD (dystrophin; minus strand). Cytogenetic location: Xp21.1.
Variant type: single nucleotide variant.
Coding change: c.7829C>G on transcript NM_004006.3 (MANE Select); coding-DNA position 7829, C replaced by G.
Protein change: p.Pro2610Arg; replaces proline 2610 with arginine.
Molecular consequence: missense variant.
Genome position (GRCh38, 1-based): chrX:31,679,418, G>C on the plus strand (C>G on the coding strand, the complement: DMD is on the minus strand). VCF-style: chrX-31679418-G-C. GRCh37 (hg19) VCF-style: chrX-31697535-G-C.
Other names: c.7805C>G, p.Pro2602Arg (NM_000109.4); c.7817C>G, p.Pro2606Arg (NM_004009.3); c.7460C>G, p.Pro2487Arg (NM_004010.3); c.3806C>G, p.Pro1269Arg (NM_004011.4); c.3797C>G, p.Pro1266Arg (NM_004012.4); c.449C>G, p.Pro150Arg (NM_004013.3, NM_004020.4, NM_004021.3 and 2 more transcripts); short protein forms P1266R, P1269R, P150R, P2487R, P2602R, P2606R, P2610R.
Identifiers: ClinVar variation 4803646 (VCV004803646.1).
Genomic context (GRCh38, chrX:31,679,418, plus strand): 5'-GTATCTTTGATACTAACCTTGGTTTCTGTGATTTTCTTTTGGATTGCATCTACTGTATAG[G>C]GACCCTCCTTCCATGACTCAAGCTTGGCTCTGGCCTGTCCTAAGACCTGCTCAGCTTCTT-3'
Protein context (NP_003997.2, residues 2600-2620): RAKLESWKEG[Pro2610Arg]YTVDAIQKKI

ClinVar aggregate classification (germline): Uncertain significance (1 of 4 stars; one submission).

Conditions:
Duchenne muscular dystrophy (DMD). Also called: Duchenne Muscular Dystrophy (DMD); MUSCULAR DYSTROPHY, PSEUDOHYPERTROPHIC PROGRESSIVE, DUCHENNE TYPE. Identifiers: Orphanet 98896, MedGen C0013264, MONDO:0010679, OMIM 310200.

gnomAD v4.1: 1 of 1,210,270 alleles (0.000083%); highest among the groups gnomAD compares: Admixed American, 0.0022%; no homozygotes.

Submission:

Labcorp Genetics (formerly Invitae), Labcorp
Classification: Uncertain significance for Duchenne muscular dystrophy. Last evaluated: 2025-04-27. Review status: criteria provided, single submitter. Criteria: Invitae Variant Classification Sherloc (09022015). Collection method: clinical testing. Allele origin: germline.
Comment: This sequence change replaces proline, which is neutral and non-polar, with arginine, which is basic and polar, at codon 2610 of the DMD protein (p.Pro2610Arg). This variant is not present in population databases (gnomAD no frequency). This variant has not been reported in the literature in individuals affected with DMD-related conditions. Invitae Evidence Modeling of protein sequence and biophysical properties (such as structural, functional, and spatial information, amino acid conservation, physicochemical variation, residue mobility, and thermodynamic stability) indicates that this missense variant is not expected to disrupt DMD protein function with a negative predictive value of 95%. In summary, the available evidence is currently insufficient to determine the role of this variant in disease. Therefore, it has been classified as a Variant of Uncertain Significance.